The following is an entry in ClinVar:

ClinVar aggregate classification (germline): Uncertain significance (1 of 4 stars; one submission).

Conditions:
Niemann-Pick disease, type C1. Also called: NIEMANN-PICK DISEASE, VARIANT TYPE C1; NEUROVISCERAL STORAGE DISEASE WITH VERTICAL SUPRANUCLEAR OPHTHALMOPLEGIA; NIEMANN-PICK DISEASE WITH CHOLESTEROL ESTERIFICATION BLOCK; NIEMANN-PICK DISEASE WITHOUT SPHINGOMYELINASE DEFICIENCY; NIEMANN-PICK DISEASE, CHRONIC NEURONOPATHIC FORM. Identifiers: Orphanet 646, MedGen C3179455, MONDO:0009757, OMIM 257220.

Allele frequency attached by ClinVar (database versions not stated): gnomAD exomes below 0.00001 and 0.00001; TOPMed below 0.00001; gnomAD 0.00001 and 0.00002; ExAC 0.00002; 1000 Genomes Project 30x 0.00016; 1000 Genomes Project 0.00020.

Submission:

Labcorp Genetics (formerly Invitae), Labcorp
Classification: Uncertain significance for Niemann-Pick disease, type C1. Last evaluated: 2025-07-01. Review status: criteria provided, single submitter. Criteria: Invitae Variant Classification Sherloc (09022015). Collection method: clinical testing. Allele origin: germline.
Comment: This sequence change replaces valine, which is neutral and non-polar, with phenylalanine, which is neutral and non-polar, at codon 845 of the NPC1 protein (p.Val845Phe). The frequency data for this variant in the population databases is considered unreliable, as metrics indicate poor data quality at this position in the gnomAD database. This variant has not been reported in the literature in individuals affected with NPC1-related conditions. ClinVar contains an entry for this variant (Variation ID: 1484594). Invitae Evidence Modeling of protein sequence and biophysical properties (such as structural, functional, and spatial information, amino acid conservation, physicochemical variation, residue mobility, and thermodynamic stability) indicates that this missense variant is not expected to disrupt NPC1 protein function with a negative predictive value of 95%. In summary, the available evidence is currently insufficient to determine the role of this variant in disease. Therefore, it has been classified as a Variant of Uncertain Significance.

NM_000271.5(NPC1):c.2533G>T (p.Val845Phe)

Gene: NPC1 (NPC intracellular cholesterol transporter 1; minus strand). Cytogenetic location: 18q11.2.
Variant type: single nucleotide variant.
Coding change: c.2533G>T on transcript NM_000271.5 (MANE Select); coding-DNA position 2533, G replaced by T.
Protein change: p.Val845Phe; replaces valine 845 with phenylalanine.
Molecular consequence: missense variant.
Genome position (GRCh38, 1-based): chr18:23,540,519, C>A on the plus strand (G>T on the coding strand, the complement: NPC1 is on the minus strand). VCF-style: chr18-23540519-C-A. GRCh37 (hg19) VCF-style: chr18-21120483-C-A.
Other names: short protein forms V845F.
Identifiers: ClinVar variation 1484594 (VCV001484594.5), dbSNP rs562253150, ClinGen allele CA8913057.